The following is an entry in ClinVar:

NM_013444.4(UBQLN2):c.1198A>G (p.Ser400Gly)

Gene: UBQLN2 (ubiquilin 2; plus strand). Cytogenetic location: Xp11.21.
Variant type: single nucleotide variant.
Coding change: c.1198A>G on transcript NM_013444.4 (MANE Select); coding-DNA position 1198, A replaced by G.
Protein change: p.Ser400Gly; replaces serine 400 with glycine.
Molecular consequence: missense variant.
Genome position (GRCh38, 1-based): chrX:56,565,071, A>G. VCF-style: chrX-56565071-A-G. GRCh37 (hg19) VCF-style: chrX-56591504-A-G.
Other names: short protein forms S400G.
Identifiers: ClinVar variation 1407657 (VCV001407657.7), dbSNP rs781734842, ClinGen allele CA10430137.

ClinVar aggregate classification (germline): Uncertain significance (1 of 4 stars; one submission).

Conditions:
Amyotrophic lateral sclerosis type 15. Also called: AMYOTROPHIC LATERAL SCLEROSIS 15 WITH FRONTOTEMPORAL DEMENTIA. Identifiers: Orphanet 803, MedGen C3275459, MONDO:0010459, OMIM 300857.

Allele frequency attached by ClinVar (database versions not stated): ExAC 0.00001; gnomAD exomes 0.00001 and 0.00002; TOPMed 0.00001; gnomAD 0.00002 and 0.00003.
gnomAD v4.1: 25 of 1,210,532 alleles (0.0021%); highest among the groups gnomAD compares: Admixed American, 0.0087%; no homozygotes.

Submission:

Labcorp Genetics (formerly Invitae), Labcorp
Classification: Uncertain significance for Amyotrophic lateral sclerosis type 15. Last evaluated: 2025-11-09. Review status: criteria provided, single submitter. Criteria: Invitae Variant Classification Sherloc (09022015). Collection method: clinical testing. Allele origin: germline.
Comment: This sequence change replaces serine, which is neutral and polar, with glycine, which is neutral and non-polar, at codon 400 of the UBQLN2 protein (p.Ser400Gly). This variant is present in population databases (rs781734842, gnomAD 0.001%), including at least one homozygous and/or hemizygous individual. This missense change has been observed in individual(s) with amyotrophic lateral sclerosis (PMID: 23312802). ClinVar contains an entry for this variant (Variation ID: 1407657). Invitae Evidence Modeling of protein sequence and biophysical properties (such as structural, functional, and spatial information, amino acid conservation, physicochemical variation, residue mobility, and thermodynamic stability) indicates that this missense variant is not expected to disrupt UBQLN2 protein function with a negative predictive value of 80%. In summary, the available evidence is currently insufficient to determine the role of this variant in disease. Therefore, it has been classified as a Variant of Uncertain Significance.

Literature cited by the submitters: PubMed 23312802.